The following is an entry in ClinVar:

ClinVar aggregate classification (germline): Likely pathogenic (1 of 4 stars; one submission).

Conditions:
Intellectual developmental disorder with speech delay, autism, and dysmorphic facies. Identifiers: MedGen C5231456, MONDO:0032864, OMIM 618672.

Submission:

Victorian Clinical Genetics Services, Murdoch Childrens Research Institute
Classification: Likely pathogenic for Intellectual developmental disorder with speech delay, autism, and dysmorphic facies. Last evaluated: 2021-05-06. Review status: criteria provided, single submitter. Criteria: ACMG Guidelines, 2015. Collection method: clinical testing. Allele origin: germline. Inheritance: Autosomal dominant inheritance. Affected: yes.
Comment: Based on the classification scheme VCGS_Germline_v1.3.4, this variant is classified as Likely pathogenic. Following criteria are met: 0102 - Loss of function is a known mechanism of disease in this gene and is associated with CNOT3-related developmental disorder (MIM#618672). (I) 0107 - This gene is associated with autosomal dominant disease. (I) 0115 - Variants in this gene are known to have variable expressivity, with intrafamilial variability reported (PMID: 32720325). (I) 0200 - Variant is predicted to result in a missense amino acid change from methionine to threonine. (I) 0251 - This variant is heterozygous. (I) 0301 - Variant is absent from gnomAD (both v2 and v3). (SP) 0309 - An alternative amino acid change at the same position has been observed in gnomAD (v2) (4 heterozygotes, 0 homozygotes). (I) 0502 - Missense variant with conflicting in silico predictions and uninformative conservation. (I) 0603 - Missense variant in a region that is highly intolerant to missense variation (high constraint region in DECIPHER). (SP) 0705 - No comparable missense variants have previous evidence for pathogenicity. (I) 0807 - This variant has no previous evidence of pathogenicity. (I) 0905 - No published segregation evidence has been identified for this variant. (I) 1007 - No published functional evidence has been identified for this variant. (I) 1102 - Strong phenotype match for this individual. (SP) Legend: (SP) - Supporting pathogenic, (I) - Information, (SB) - Supporting benign

Literature cited by the submitters: PubMed 32720325.

NM_014516.4(CNOT3):c.2111T>C (p.Met704Thr)

Gene: CNOT3 (CCR4-NOT transcription complex subunit 3; plus strand). Cytogenetic location: 19q13.42.
Variant type: single nucleotide variant.
Coding change: c.2111T>C on transcript NM_014516.4 (MANE Select); coding-DNA position 2111, T replaced by C.
Protein change: p.Met704Thr; replaces methionine 704 with threonine.
Molecular consequence: missense variant.
Genome position (GRCh38, 1-based): chr19:54,153,788, T>C. VCF-style: chr19-54153788-T-C. GRCh37 (hg19) VCF-style: chr19-54657525-T-C.
Other names: short protein forms M704T.
Identifiers: ClinVar variation 1805873 (VCV001805873.1), dbSNP rs2514436908, ClinGen allele CA407772074.